The following is an entry in ClinVar:

NM_001875.5(CPS1):c.1692T>A (p.Ser564Arg)

Gene: CPS1 (carbamoyl-phosphate synthase 1; plus strand). Cytogenetic location: 2q34.
Variant type: single nucleotide variant.
Coding change: c.1692T>A on transcript NM_001875.5 (MANE Select); coding-DNA position 1692, T replaced by A.
Protein change: p.Ser564Arg; replaces serine 564 with arginine.
Molecular consequence: missense variant. On other transcripts: non-coding transcript variant (2).
Genome position (GRCh38, 1-based): chr2:210,600,697, T>A. VCF-style: chr2-210600697-T-A. GRCh37 (hg19) VCF-style: chr2-211465421-T-A.
Other names: c.1692T>A, p.Ser564Arg (NM_001122633.3, NM_001369257.1); c.1725T>A, p.Ser575Arg (NM_001369256.1); short protein forms S564R, S575R.
Identifiers: ClinVar variation 1962610 (VCV001962610.2), dbSNP rs2469151193, ClinGen allele CA350437092.

ClinVar aggregate classification (germline): Uncertain significance (1 of 4 stars; one submission).

Conditions:
Congenital hyperammonemia, type I. Also called: Carbamoyl-phosphate synthase I deficiency; CPS I DEFICIENCY; Carbamoyl phosphate synthetase 1 deficiency; Hyperammonemia due to carbamoyl phosphate synthetase 1 deficiency; CPS 1 deficiency; Carbamyl phosphate synthetase (CPS) deficiency. Identifiers: Orphanet 147, MedGen C4082171, MONDO:0009376, OMIM 237300.

Submission:

Labcorp Genetics (formerly Invitae), Labcorp
Classification: Uncertain significance for Congenital hyperammonemia, type I. Last evaluated: 2022-04-08. Review status: criteria provided, single submitter. Criteria: Invitae Variant Classification Sherloc (09022015). Collection method: clinical testing. Allele origin: germline.
Comment: This sequence change replaces serine, which is neutral and polar, with arginine, which is basic and polar, at codon 564 of the CPS1 protein (p.Ser564Arg). This variant is not present in population databases (gnomAD no frequency). This variant has not been reported in the literature in individuals affected with CPS1-related conditions. Algorithms developed to predict the effect of missense changes on protein structure and function are either unavailable or do not agree on the potential impact of this missense change (SIFT: "Deleterious"; PolyPhen-2: "Possibly Damaging"; Align-GVGD: "Class C0"). In summary, the available evidence is currently insufficient to determine the role of this variant in disease. Therefore, it has been classified as a Variant of Uncertain Significance.